The following is an entry in ClinVar:

ClinVar aggregate classification (germline): Pathogenic (0 of 4 stars; one submission).

Conditions:
Secondary microcephaly. Also called: Postnatal microcephaly. Identifiers: MedGen C0431352, HP:0005484.
Expressive language delay. Identifiers: MedGen C0454641, HP:0002474.
Global developmental delay (DD). Also called: Cognitive delay. Identifiers: MedGen C0557874, HP:0001263. Disease mechanism: loss of function.

Submission:

Baylor Genetics
Classification: Pathogenic for Secondary microcephaly; Expressive language delay; Global developmental delay. Last evaluated: 2017-07-03. Review status: no assertion criteria provided. Collection method: clinical testing. Allele origin: germline. Inheritance: Autosomal dominant inheritance. Affected: yes. Study: BPTF_variants.

Literature cited by the submitters: PubMed 28942966.

Single allele

Gene: BPTF (bromodomain PHD finger transcription factor; plus strand). Cytogenetic location: 17q24.2.
Variant type: Deletion.
Identifiers: ClinVar variation 431068 (VCV000431068.2).